The following is an entry in ClinVar:

NM_000441.2(SLC26A4):c.908A>G (p.Glu303Gly)

Gene: SLC26A4 (solute carrier family 26 member 4; plus strand). Cytogenetic location: 7q22.3.
Variant type: single nucleotide variant.
Coding change: c.908A>G on transcript NM_000441.2 (MANE Select); coding-DNA position 908, A replaced by G.
Protein change: p.Glu303Gly; replaces glutamic acid 303 with glycine.
Molecular consequence: missense variant.
Genome position (GRCh38, 1-based): chr7:107,683,344, A>G. VCF-style: chr7-107683344-A-G. GRCh37 (hg19) VCF-style: chr7-107323789-A-G.
Other names: short protein forms E303G.
Identifiers: ClinVar variation 2905869 (VCV002905869.4), dbSNP rs2535310349, ClinGen allele CA368835521.
Genomic context (GRCh38, chr7:107,683,344, plus strand): 5'-TGGCAGTTAAGGAATTAAATGATCGGTTTAGACACAAAATCCCAGTCCCTATTCCTATAG[A>G]AGTAATTGTGGTAAGTAGAATATGTAGTTAGAAAGTTCAGCATTATTTGGTTGACAAACA-3'
Protein context (NP_000432.1, residues 293-313): RHKIPVPIPI[Glu303Gly]VIVTIIATAI

ClinVar aggregate classification (germline): Conflicting classifications of pathogenicity. Review status: criteria provided, conflicting classifications (1 of 4 stars). 2 submissions from 2 submitters: Likely pathogenic (1); Uncertain significance (1). Last evaluated 2026-02-12.

Conditions:
Pendred syndrome (PDS). Also called: Pendred's syndrome; Pendred Syndrome (PDS); THYROID DYSHORMONOGENESIS 2B; THYROID HORMONOGENESIS, GENETIC DEFECT IN, 2B; DEAFNESS WITH GOITER; GOITER-DEAFNESS SYNDROME. Identifiers: Orphanet 705, MedGen C0271829, MONDO:0010134, OMIM 274600.

Submissions (2):

Myriad Genetics, Inc.
Classification: Uncertain significance for Pendred syndrome. Last evaluated: 2026-02-12. Review status: criteria provided, single submitter. Criteria: Myriad Autosomal Dominant, Autosomal Recessive and X-Linked Classification Criteria (2023). Collection method: clinical testing. Allele origin: unknown.
Comment: NM_000441.1(SLC26A4):c.908A>G(E303G) is a missense variant classified as a variant of uncertain significance in the context of Pendred syndrome. E303G has not been observed in cases with relevant disease. Relevant functional assessments of this variant are not available in the literature. E303G has not been observed in referenced population frequency databases. In summary, there is insufficient evidence to classify NM_000441.1(SLC26A4):c.908A>G(E303G) as pathogenic or benign. Please note: this variant was assessed in the context of healthy population screening.

Labcorp Genetics (formerly Invitae), Labcorp
Classification: Likely pathogenic. Last evaluated: 2023-09-21. Review status: criteria provided, single submitter. Criteria: Invitae Variant Classification Sherloc (09022015). Collection method: clinical testing. Allele origin: germline.
Comment: In summary, the currently available evidence indicates that the variant is pathogenic, but additional data are needed to prove that conclusively. Therefore, this variant has been classified as Likely Pathogenic. This variant disrupts the p.Glu303 amino acid residue in SLC26A4. Other variant(s) that disrupt this residue have been determined to be pathogenic (PMID: 17718863, 19509082). This suggests that this residue is clinically significant, and that variants that disrupt this residue are likely to be disease-causing. Advanced modeling of protein sequence and biophysical properties (such as structural, functional, and spatial information, amino acid conservation, physicochemical variation, residue mobility, and thermodynamic stability) performed at Invitae indicates that this missense variant is expected to disrupt SLC26A4 protein function. This variant has not been reported in the literature in individuals affected with SLC26A4-related conditions. This variant is not present in population databases (gnomAD no frequency). This sequence change replaces glutamic acid, which is acidic and polar, with glycine, which is neutral and non-polar, at codon 303 of the SLC26A4 protein (p.Glu303Gly).

Literature cited by the submitters: PubMed 17718863 (cited by Labcorp Genetics (formerly Invitae), Labcorp); PubMed 19509082 (cited by Labcorp Genetics (formerly Invitae), Labcorp).